The following is an entry in ClinVar:

NM_022437.3(ABCG8):c.818G>A (p.Arg273His)

Gene: ABCG8 (ATP binding cassette subfamily G member 8; plus strand). Cytogenetic location: 2p21.
Variant type: single nucleotide variant.
Coding change: c.818G>A on transcript NM_022437.3 (MANE Select); coding-DNA position 818, G replaced by A.
Protein change: p.Arg273His; replaces arginine 273 with histidine.
Molecular consequence: missense variant.
Genome position (GRCh38, 1-based): chr2:43,852,722, G>A. VCF-style: chr2-43852722-G-A. GRCh37 (hg19) VCF-style: chr2-44079861-G-A.
Other names: p.Arg273His; c.818G>A, p.Arg273His (NM_001357321.2); short protein forms R273H.
Identifiers: ClinVar variation 2502269 (VCV002502269.3), dbSNP rs775468682, ClinGen allele CA1637178.
Genomic context (GRCh38, chr2:43,852,722, plus strand): 5'-AGACCTTGTCCAGGCTGGCCAAAGGCAACCGGCTGGTGCTCATCTCCCTCCACCAGCCTC[G>A]CTCTGACATCTTCAGGCTGTTTGATCTGGTCCTCCTGATGACGTCTGGCACCCCCATCTA-3'
Protein context (NP_071882.1, residues 263-283): RLVLISLHQP[Arg273His]SDIFRLFDLV

ClinVar aggregate classification (germline): Uncertain significance. Review status: criteria provided, multiple submitters, no conflicts (2 of 4 stars). 3 submissions from 3 submitters: Uncertain significance (3). Last evaluated 2026-03-01.

Conditions:
Sitosterolemia (STSL). Also called: PHYTOSTEROLEMIA. Identifiers: Orphanet 2882, MedGen C0342907, MONDO:0008863.
Sitosterolemia 1. Identifiers: MedGen C2749759, MONDO:0020747, OMIM 210250.

Allele frequency attached by ClinVar (database versions not stated): ExAC 0.00002; gnomAD exomes 0.00001; TOPMed 0.00001.
gnomAD v4.1: 16 of 1,614,136 alleles (0.00099%); highest among the groups gnomAD compares: East Asian, 0.0067%; no homozygotes.

Submissions (3):

Department of Cardiology, Mackay Memorial Hospital
Classification: Uncertain significance for Sitosterolemia. Last evaluated: 2026-03-01. Review status: criteria provided, single submitter. Criteria: ACMG Guidelines, 2015. Collection method: clinical testing. Allele origin: germline. Affected: yes.
Comment: This variant results in the substitution of arginine by histidine at position 273 within the nucleotide-binding domain of ABCG8 (sterolin-2). The affected arginine residue is highly conserved across vertebrate species. Because arginine is a strongly positively charged and highly polar amino acid, its replacement by histidine, which differs in pKa and side-chain geometry, may alter local molecular interactions and impair ATPase-dependent transporter function. The variant is very rare in population databases and was identified in a patient with severe hypercholesterolemia and a clinically compatible hypercholesterolemia-related phenotype, supporting application of PM2_supporting. Multiple computational tools predicted a deleterious effect, supporting PP3_supporting. However, in the absence of functional studies, definitive segregation data, and direct plasma phytosterol measurements, the available evidence was insufficient to classify the variant as pathogenic or likely pathogenic, and it was therefore classified as a variant of uncertain significance.

Mayo Clinic Laboratories, Mayo Clinic
Classification: Uncertain significance. Last evaluated: 2022-03-28. Review status: criteria provided, single submitter. Criteria: ACMG Guidelines, 2015. Collection method: clinical testing. Allele origin: germline. Observed: 1 variant allele.
Comment: PM2

New York Genome Center
Classification: Uncertain significance for Sitosterolemia 1. Last evaluated: 2022-03-25. Review status: criteria provided, single submitter. Criteria: NYGC Assertion Criteria 2020. Collection method: clinical testing. Allele origin: germline. Observed: 1 heterozygote.